The following is an entry in ClinVar:

ClinVar aggregate classification (germline): Uncertain significance. Review status: criteria provided, multiple submitters, no conflicts (2 of 4 stars). 3 submissions from 3 submitters: Uncertain significance (3). Last evaluated 2024-06-12.

Conditions:
Hereditary cancer-predisposing syndrome. Also called: Hereditary Cancer Syndrome; Hereditary neoplastic syndrome; Neoplastic Syndromes, Hereditary; Tumor predisposition. Identifiers: Orphanet 140162, MedGen C0027672, MeSH D009386, MONDO:0015356.
Retinoblastoma (RB1). Also called: RETINOBLASTOMA, SOMATIC. Identifiers: Orphanet 790, MedGen C0035335, MeSH D012175, MONDO:0008380, OMIM 180200, HP:0009919. Disease mechanism: loss of function. Inheritance: Both sporadic and heritable forms are tested..

Allele frequency attached by ClinVar (database versions not stated): gnomAD exomes below 0.00001; TOPMed below 0.00001; ExAC 0.00001; gnomAD 0.00001.
gnomAD v4.1: 3 of 1,614,066 alleles (0.00019%); highest among the groups gnomAD compares: African/African-American, 0.0027%; no homozygotes.

Submissions (3):

Ambry Genetics
Classification: Uncertain significance for Hereditary cancer-predisposing syndrome. Last evaluated: 2024-06-12. Review status: criteria provided, single submitter. Criteria: Ambry Variant Classification Scheme 2023. Collection method: clinical testing. Allele origin: germline.
Comment: The p.K614E variant (also known as c.1840A>G), located in coding exon 19 of the RB1 gene, results from an A to G substitution at nucleotide position 1840. The lysine at codon 614 is replaced by glutamic acid, an amino acid with similar properties. This amino acid position is highly conserved in available vertebrate species. In addition, the in silico prediction for this alteration is inconclusive. Based on the available evidence, the clinical significance of this variant remains unclear.

All of Us Research Program, National Institutes of Health
Classification: Uncertain significance for Retinoblastoma. Last evaluated: 2023-06-08. Review status: criteria provided, single submitter. Criteria: ACMG Guidelines, 2015. Collection method: clinical testing. Allele origin: germline. Inheritance: Autosomal dominant inheritance. Observed: 1 variant allele, 1 heterozygote.
Comment: This missense variant replaces lysine with glutamic acid at codon 614 of the RB1 protein. Computational prediction suggests that this variant may not impact protein structure and function (internally defined REVEL score threshold <= 0.5, PMID: 27666373). To our knowledge, functional studies have not been reported for this variant. This variant has not been reported in individuals affected with RB1-related disorders in the literature. This variant has been identified in 1/251354 chromosomes in the general population by the Genome Aggregation Database (gnomAD). The available evidence is insufficient to determine the role of this variant in disease conclusively. Therefore, this variant is classified as a Variant of Uncertain Significance.

This study involves interpretation of variants in research participants for the purpose of population health screening. Participant phenotype was not available at the time of variant classification. Additional details can be found in publication PMID: 35346344, PMCID: PMC8962531

Labcorp Genetics (formerly Invitae), Labcorp
Classification: Uncertain significance for Retinoblastoma. Last evaluated: 2023-05-08. Review status: criteria provided, single submitter. Criteria: Invitae Variant Classification Sherloc (09022015). Collection method: clinical testing. Allele origin: germline.
Comment: This sequence change replaces lysine, which is basic and polar, with glutamic acid, which is acidic and polar, at codon 614 of the RB1 protein (p.Lys614Glu). This variant is present in population databases (rs751060248, gnomAD 0.003%). This variant has not been reported in the literature in individuals affected with RB1-related conditions. ClinVar contains an entry for this variant (Variation ID: 1447461). Advanced modeling of protein sequence and biophysical properties (such as structural, functional, and spatial information, amino acid conservation, physicochemical variation, residue mobility, and thermodynamic stability) performed at Invitae indicates that this missense variant is not expected to disrupt RB1 protein function. In summary, the available evidence is currently insufficient to determine the role of this variant in disease. Therefore, it has been classified as a Variant of Uncertain Significance.

NM_000321.3(RB1):c.1840A>G (p.Lys614Glu)

Gene: RB1 (RB transcriptional corepressor 1; plus strand). Cytogenetic location: 13q14.2.
Variant type: single nucleotide variant.
Coding change: c.1840A>G on transcript NM_000321.3 (MANE Select); coding-DNA position 1840, A replaced by G.
Protein change: p.Lys614Glu; replaces lysine 614 with glutamic acid.
Molecular consequence: missense variant.
Genome position (GRCh38, 1-based): chr13:48,456,229, A>G. VCF-style: chr13-48456229-A-G. GRCh37 (hg19) VCF-style: chr13-49030365-A-G.
Other names: c.1840A>G (NM_000321.2); short protein forms K614E.
Identifiers: ClinVar variation 1447461 (VCV001447461.10), dbSNP rs751060248, ClinGen allele CA032808.